The following is an entry in ClinVar:

NM_000486.6(AQP2):c.763_772del (p.Gln255fs)

Genes: AQP2 (aquaporin 2; plus strand), AQP5-AS1 (AQP5 and AQP2 antisense RNA 2; minus strand). Cytogenetic location: 12q13.12.
Variant type: Deletion.
Coding change: c.763_772del on transcript NM_000486.6 (MANE Select); coding-DNA positions 763 to 772, 10 bases deleted (CAGTCGGTGG; older notation c.763_772delCAGTCGGTGG).
Protein change: p.Gln255fs; shifts the reading frame from glutamine 255.
Molecular consequence: frameshift variant.
Genome position (GRCh38, 1-based): chr12:49,955,555-49,955,564, CAGTCGGTGG deleted; deleting any 10 consecutive bases within chr12:49,955,553-49,955,564 gives the same sequence; the c. name uses the placement nearest the transcript's 3' end. VCF-style (leftmost placement, unchanged base first): chr12-49955552-CGGCAGTCGGT-C. GRCh37 (hg19) VCF-style: chr12-50349335-CGGCAGTCGGT-C.
Other names: c.763_772delCAGTCGGTGG, p.Gln255Serfs (NM_000486.5); short protein forms Q255fs.
Identifiers: ClinVar variation 4818435 (VCV004818435.1).
Genomic context (GRCh38, chr12:49,955,552, plus strand): 5'-CTGGCAGTGCTGAAGGGCCTGGAGCCGGACACCGATTGGGAGGAGCGCGAGGTGCGACGG[CGGCAGTCGGT>C]GGAGCTGCACTCGCCGCAGAGCCTGCCACGGGGTACCAAGGCCTGAGGGCCGCCAGCGGC-3'

ClinVar aggregate classification (germline): Likely pathogenic (1 of 4 stars; one submission).

Conditions:
Nephrogenic diabetes insipidus. Identifiers: Orphanet 223, MedGen C0162283, MONDO:0016383, HP:0009806.

Submission:

Natera, Inc.
Classification: Likely pathogenic for Nephrogenic diabetes insipidus. Last evaluated: 2025-06-24. Review status: criteria provided, single submitter. Criteria: Natera Variant Classification Schema (03/2026). Collection method: clinical testing. Allele origin: germline.
Comment: The c.763_772del variant in AQP2 is a frameshift variant predicted to elongate the protein beyond the termination codon. This variant is rare in the general population with a frequency below the threshold expected for the associated phenotype(s). This variant has been confirmed as or assumed to be a de novo occurrence in one or more affected individuals (PMID: 11536078). Functional studies show that this variant may disrupt protein function (PMID: 11536078). Given the available evidence, this variant is classified as Likely Pathogenic.

Literature cited by the submitters: PubMed 11536078.